The following is an entry in ClinVar:

ClinVar aggregate classification (germline): Likely pathogenic (1 of 4 stars; one submission).

Submission:

Labcorp Genetics (formerly Invitae), Labcorp
Classification: Likely pathogenic. Last evaluated: 2023-05-19. Review status: criteria provided, single submitter. Criteria: Invitae Variant Classification Sherloc (09022015). Collection method: clinical testing. Allele origin: germline.
Comment: This sequence change affects a donor splice site in intron 1 of the TTPA gene. It is expected to disrupt RNA splicing. Variants that disrupt the donor or acceptor splice site typically lead to a loss of protein function (PMID: 16199547), and loss-of-function variants in TTPA are known to be pathogenic (PMID: 9463307, 26068213). This variant is not present in population databases (gnomAD no frequency). In summary, the currently available evidence indicates that the variant is pathogenic, but additional data are needed to prove that conclusively. Therefore, this variant has been classified as Likely Pathogenic. Algorithms developed to predict the effect of sequence changes on RNA splicing suggest that this variant may disrupt the consensus splice site. This variant has not been reported in the literature in individuals affected with TTPA-related conditions.

Literature cited by the submitters: PubMed 16199547; PubMed 9463307; PubMed 26068213.

NM_000370.3(TTPA):c.204+2T>G

Gene: TTPA (alpha tocopherol transfer protein; minus strand). Cytogenetic location: 8q12.3.
Variant type: single nucleotide variant.
Coding change: c.204+2T>G on transcript NM_000370.3 (MANE Select); the canonical splice donor site of the intron after coding-DNA position 204, T replaced by G.
Molecular consequence: splice donor variant.
Genome position (GRCh38, 1-based): chr8:63,085,816, A>C on the plus strand (T>G on the coding strand, the complement: TTPA is on the minus strand). VCF-style: chr8-63085816-A-C. GRCh37 (hg19) VCF-style: chr8-63998375-A-C.
Other names: c.204+2T>G (NM_001413417.1, NM_001413414.1, NM_001413415.1 and 2 more transcripts).
Identifiers: ClinVar variation 2865621 (VCV002865621.3), dbSNP rs2487199918, ClinGen allele CA371403340.